The following is an entry in ClinVar:

NM_000135.4(FANCA):c.295C>T (p.Gln99Ter)

Gene: FANCA (FA complementation group A; minus strand). Cytogenetic location: 16q24.3.
Variant type: single nucleotide variant.
Coding change: c.295C>T on transcript NM_000135.4 (MANE Select); coding-DNA position 295, C replaced by T.
Protein change: p.Gln99Ter; replaces glutamine 99 with a stop codon.
Molecular consequence: nonsense.
Genome position (GRCh38, 1-based): chr16:89,811,060, G>A on the plus strand (C>T on the coding strand, the complement: FANCA is on the minus strand). VCF-style: chr16-89811060-G-A. GRCh37 (hg19) VCF-style: chr16-89877468-G-A.
Other names: c.295C>T, p.Gln99Ter (NM_001018112.3, NM_001286167.3, NM_001351830.2); c.295C>T (LRG_495t1); short protein forms Q99*.
Identifiers: ClinVar variation 370361 (VCV000370361.15), dbSNP rs1057516430, ClinGen allele CA16041804.

ClinVar aggregate classification (germline): Pathogenic. Review status: criteria provided, multiple submitters, no conflicts (2 of 4 stars). 8 submissions from 8 submitters: Pathogenic (6). 2 of the submissions do not count toward it. Last evaluated 2026-02-24.

Conditions:
Fanconi anemia (FA). Also called: Fanconi's anemia. Identifiers: Orphanet 84, MedGen C0015625, MeSH D005199, MONDO:0019391.
Fanconi anemia complementation group A (FANCA). Also called: Fanconi anemia, group A; FANCA-Related Fanconi Anemia. Identifiers: Orphanet 84, MedGen C3469521, MONDO:0009215, OMIM 227650.
FANCA-related disorders.

Allele frequency attached by ClinVar (database versions not stated): gnomAD exomes below 0.00001.
gnomAD v4.1: 4 of 1,614,016 alleles (0.00025%); highest among the groups gnomAD compares: Non-Finnish European, 0.00034%; no homozygotes.

Submissions (8):

Department of Clinical Genetics, Copenhagen University Hospital, Rigshospitalet
Classification: Pathogenic for Fanconi anemia. Last evaluated: 2026-02-24. Review status: criteria provided, single submitter. Criteria: ACMG Guidelines, 2015. Collection method: clinical testing. Allele origin: germline.
Comment: The following ACMG criteria has been used: PVS1; PM3 (PMID:15522956)

Labcorp Genetics (formerly Invitae), Labcorp
Classification: Pathogenic for Fanconi anemia. Last evaluated: 2025-07-02. Review status: criteria provided, single submitter. Criteria: Invitae Variant Classification Sherloc (09022015). Collection method: clinical testing. Allele origin: germline.
Comment: This sequence change creates a premature translational stop signal (p.Gln99*) in the FANCA gene. It is expected to result in an absent or disrupted protein product. Loss-of-function variants in FANCA are known to be pathogenic (PMID: 19367192). This variant is not present in population databases (gnomAD no frequency). This premature translational stop signal has been observed in individual(s) with clinical features of Fanconi anemia (PMID: 15522956). ClinVar contains an entry for this variant (Variation ID: 370361). Algorithms developed to predict the effect of sequence changes on RNA splicing suggest that this variant may disrupt the consensus splice site. For these reasons, this variant has been classified as Pathogenic.

GeneKor MSA
Classification: Pathogenic for Fanconi anemia complementation group A. Last evaluated: 2025-05-15. Review status: criteria provided, single submitter. Criteria: ACMG Guidelines, 2015. Collection method: clinical testing. Allele origin: germline. Affected: yes.
Comment: This sequence change creates a premature translational stop signal (p.Gln99*) in the FANCA gene. It is expected to result in an absent or disrupted protein product. Loss-of-function variants in FANCA are known to be pathogenic (PMID:19367192). This variant is not present in population databases (gnomAD no frequency). This premature translational stop signal has been observed in individual(s) with clinical features of Fanconi anemia (PMID:15522956). ClinVar contains an entry for this variant (VCV000370361.11). For these reasons, this variant has been classified as Pathogenic.

Fulgent Genetics
Classification: Pathogenic for Fanconi anemia complementation group A. Last evaluated: 2024-04-25. Review status: criteria provided, single submitter. Criteria: ACMG Guidelines, 2015. Collection method: clinical testing. Allele origin: germline.

Blueprint Genetics
Classification: Pathogenic for FANCA-related disorders. Last evaluated: 2024-01-22. Review status: criteria provided, single submitter. Criteria: ACMG Guidelines, 2015. Collection method: clinical testing. Allele origin: germline. Affected: yes. Observed: 2 variant alleles.

GeneDx
Classification: Pathogenic. Last evaluated: 2022-08-08. Review status: criteria provided, single submitter. Criteria: GeneDx Variant Classification Process June 2021. Collection method: clinical testing. Allele origin: germline. Affected: yes.
Comment: Nonsense variant predicted to result in protein truncation or nonsense mediated decay in a gene for which loss of function is a known mechanism of disease; Not observed at significant frequency in large population cohorts (gnomAD); This variant is associated with the following publications: (PMID: 25525159, 31589614, Sipe_2022, 31543367, 33718801, 15522956)

Leiden Open Variation Database
Classification: Pathogenic for Fanconi anemia complementation group A. Last evaluated: 2020-02-28. Review status: no assertion criteria provided. Collection method: curation. Allele origin: germline. Affected: yes. Not counted in ClinVar's aggregate classification.
Comment: Curator: Arleen D. Auerbach. Submitters to LOVD: Arleen D. Auerbach, Sue Richards.

Counsyl
Classification: Pathogenic for Fanconi anemia complementation group A. Last evaluated: 2016-08-16. Review status: no assertion criteria provided. Collection method: clinical testing. Allele origin: unknown. Not counted in ClinVar's aggregate classification.

Literature cited by the submitters: PubMed 15522956 (cited by 5 submitters); PubMed 19367192 (cited by Labcorp Genetics (formerly Invitae), Labcorp and GeneKor MSA).